The following is an entry in ClinVar:

ClinVar aggregate classification (germline): Pathogenic. Review status: reviewed by expert panel (3 of 4 stars). 10 submissions from 10 submitters: Pathogenic (1). 9 of the submissions do not count toward it. Last evaluated 2021-08-18.

Conditions:
HNF1A-related disorders.
Monogenic diabetes. Identifiers: Orphanet 183625, MedGen C3888631, MONDO:0015967.
Maturity-onset diabetes of the young type 3. Also called: MODY type 3; MODY, type III. Identifiers: Orphanet 552, MedGen C1838100, MeSH C563933, MONDO:0010894, OMIM 600496. Disease mechanism: loss of function.
Maturity-onset diabetes of the young (MODY). Also called: Maturity onset diabetes mellitus in young. Identifiers: Orphanet 552, MedGen C0342276, MONDO:0018911, HP:0004904.

gnomAD v4.1: 3 of 1,614,218 alleles (0.00019%); highest among the groups gnomAD compares: African/African-American, 0.0013%; no homozygotes.

Submissions (10):

ClinGen Monogenic Diabetes Variant Curation Expert Panel
Classification: Pathogenic for Monogenic diabetes. Last evaluated: 2021-08-18. Review status: reviewed by expert panel. Criteria: ClinGen Diabetes ACMG Specifications v1 1. Collection method: curation. Allele origin: germline. Inheritance: Autosomal dominant inheritance.
Comment: The c.391C>T variant in the HNF1 homeobox A gene, HNF1A, causes an amino acid change of arginine to tryptophan at codon 131 (p.(R131W)) of NM_000545.8. This variant resides in an amino acid within the HNF1α DNA binding domain that directly binds DNA, which is defined as critical for the protein’s function by the ClinGen MDEP (PM1). and is predicted to be deleterious by computational evidence, with a REVEL score of 0.903, which is greater than the MDEP threshold of 0.70 (PP3). Another missense variant, c.392G>A (p.Arg131Gln) has been interpreted as pathogenic by the ClinGen MDEP and p.Arg131Trp has an equal or greater Grantham distance. (PM5). This variant is absent from gnomAD v2.1.1 (PM2_Supporting), and was identified in at least 44 unrelated individuals with non-autoimmune and non-absolute/near-absolute insulin-deficient diabetes (PS4; PMID:9166684, PMID:9075818, PMID:22060211, internal lab contributors). However, the MODY probability is unable to be calculated due to lack of clinical information (PMID:9166684, PMID:9075818, PMID:22060211 internal lab contributors). This variant segregated with disease with 11 informative meioses in six families with MODY (PP1_Strong, internal lab contributor). Taken together, this evidence supports the classification of this variant as pathogenic for monogenic diabetes. ACMG/AMP criteria applied, as specified by the ClinGen MDEP VCEP (specification version 1.0): PP1_Strong, PS4, PM1, PM5, PP3, PM2_Supporting).

Women's Health and Genetics/Laboratory Corporation of America, LabCorp
Classification: Pathogenic for Maturity-onset diabetes of the young. Last evaluated: 2025-10-15. Review status: criteria provided, single submitter. Criteria: LabCorp Variant Classification Summary - May 2015. Collection method: clinical testing. Allele origin: germline. Not counted in ClinVar's aggregate classification.
Comment: Variant summary: HNF1A c.391C>T (p.Arg131Trp) results in a non-conservative amino acid change in the encoded protein sequence. Algorithms developed to predict the effect of missense changes on protein structure and function all suggest that this variant is likely to be disruptive. The variant was absent in 251390 control chromosomes. c.391C>T has been observed in multiple individuals affected with Maturity Onset Diabetes Of The Young (example: Glucksmann_1997) . These data indicate that the variant is very likely to be associated with disease. A different variant affecting the same codon has been classified as pathogenic by our lab (c.392G>A, p.Arg131Gln), supporting the critical relevance of codon 131 to HNF1A protein function. The following publication has been ascertained in the context of this evaluation (PMID: 9166684). ClinVar contains an entry for this variant (Variation ID: 14943). Based on the evidence outlined above, the variant was classified as pathogenic.

Labcorp Genetics (formerly Invitae), Labcorp
Classification: Pathogenic. Last evaluated: 2025-09-02. Review status: criteria provided, single submitter. Criteria: Invitae Variant Classification Sherloc (09022015). Collection method: clinical testing. Allele origin: germline. Not counted in ClinVar's aggregate classification.
Comment: This sequence change replaces arginine, which is basic and polar, with tryptophan, which is neutral and slightly polar, at codon 131 of the HNF1A protein (p.Arg131Trp). This variant is not present in population databases (gnomAD no frequency). This missense change has been observed in individuals with maturity onset diabetes of the young type III (MODY3) (PMID: 9166684, 25837654, 34746319). It has also been observed to segregate with disease in related individuals. Invitae Evidence Modeling of clinical and family history, age, sex, and reported ancestry of multiple individuals with this HNF1A variant has been performed. This variant is expected to be pathogenic with a positive predictive value of at least 99%. This is a validated machine learning model that incorporates the clinical features of 42,750 individuals referred to our laboratory for HNF1A testing. ClinVar contains an entry for this variant (Variation ID: 14943). Invitae Evidence Modeling of protein sequence and biophysical properties (such as structural, functional, and spatial information, amino acid conservation, physicochemical variation, residue mobility, and thermodynamic stability) indicates that this missense variant is not expected to disrupt HNF1A protein function with a negative predictive value of 80%. This variant disrupts the p.Arg131 amino acid residue in HNF1A. Other variant(s) that disrupt this residue have been determined to be pathogenic (PMID: 8945470). This suggests that this residue is clinically significant, and that variants that disrupt this residue are likely to be disease-causing. For these reasons, this variant has been classified as Pathogenic.

Victorian Clinical Genetics Services, Murdoch Childrens Research Institute
Classification: Pathogenic for Maturity-onset diabetes of the young type 3. Last evaluated: 2024-10-10. Review status: criteria provided, single submitter. Criteria: ACMG Guidelines, 2015. Collection method: clinical testing. Allele origin: germline. Inheritance: Autosomal dominant inheritance. Not counted in ClinVar's aggregate classification.
Comment: Based on the classification scheme VCGS_Germline_v1.3.5, this variant is classified as Pathogenic. Following criteria are met: 0102 - Loss of function is a known mechanism of disease in this gene and is associated with maturity-onset diabetes of the young type III (MIM#600496). (I) 0107 - This gene is associated with autosomal dominant disease. (I) 0200 - Variant is predicted to result in a missense amino acid change from arginine to tryptophan. (I) 0251 - This variant is heterozygous. (I) 0302 - Variant is present in gnomAD <0.001 for a dominant condition (v4: 3 heterozygotes, 0 homozygotes). (SP) 0309 - An alternative amino acid change at the same position has been observed in gnomAD (v4: 3 heterozygotes, 0 homozygotes). (I) 0501 - Missense variant consistently predicted to be damaging by multiple in silico tools or highly conserved with a major amino acid change. (SP) 0604 - Variant is not located in an established domain, motif, hotspot or informative constraint region. (I) 0801 - This variant has strong previous evidence of pathogenicity in unrelated individuals. This variant has been classified as pathogenic by an expert panel (ClinVar). (I) Legend: (SP) - Supporting pathogenic, (I) - Information, (SB) - Supporting benign

GeneDx
Classification: Pathogenic. Last evaluated: 2023-10-09. Review status: criteria provided, single submitter. Criteria: GeneDx Variant Classification Process June 2021. Collection method: clinical testing. Allele origin: germline. Affected: yes. Not counted in ClinVar's aggregate classification.
Comment: Published functional studies suggest defective nuclear translocation with activity significantly decreased compared to wildtype (Bjorkhaug et al., 2003); Not observed in large population cohorts (gnomAD); In silico analysis supports that this missense variant has a deleterious effect on protein structure/function; This variant is associated with the following publications: (PMID: 25306193, 23348805, 20393147, 11058894, 12453420, 21224407, 25837654, 16917892, 26669242, 22060211, 28410371, 17989309, 23624530, 24344913, 23517481, 9075818, 28324025, 27913849, 15928245, 12488961, 12453976, 36208030, 34746319, 18003757, 36567880, 9166684, 12574234)

Athena Diagnostics
Classification: Pathogenic. Last evaluated: 2022-08-12. Review status: criteria provided, single submitter. Criteria: Athena Diagnostics Criteria. Collection method: clinical testing. Allele origin: unknown. Not counted in ClinVar's aggregate classification.
Comment: This variant has been identified in multiple unrelated individuals with clinical features associated with this gene, including a de novo case, and appears to segregate with disease in at least one family. At least one other missense variant at this codon is considered to be pathogenic or likely pathogenic, suggesting this variant may also cause disease. This variant has not been reported in large, multi-ethnic general populations. Assessment of experimental evidence suggests this variant results in abnormal protein function. The variant reduced DNA binding, impaired transcriptional activation, and caused defect in subcellular localization (PMID: 12574234). The variant is located in a region that is considered important for protein function and/or structure.

Geisinger Clinic, Geisinger Health System
Classification: Pathogenic for Maturity-onset diabetes of the young type 3. Last evaluated: 2022-08-02. Review status: criteria provided, single submitter. Criteria: ACMG Guidelines, 2015. Collection method: research. Allele origin: germline. Inheritance: Autosomal dominant inheritance. Affected: yes. Observed: 1 variant allele. Not counted in ClinVar's aggregate classification.
Comment: PP3, PM1, PM2, PM5, PS4, PP1_Strong

Blueprint Genetics
Classification: Pathogenic for HNF1A-related disorders. Last evaluated: 2020-02-25. Review status: criteria provided, single submitter. Criteria: ACMG Guidelines, 2015. Collection method: clinical testing. Allele origin: germline. Affected: yes. Observed: 3 variant alleles. Not counted in ClinVar's aggregate classification.

Clinical Genomics, Uppaluri K&H Personalized Medicine Clinic
Classification: Pathogenic for Maturity-onset diabetes of the young. Review status: criteria provided, single submitter. Criteria: K & H Uppaluri Personalized Medicine Clinic Variant Classification & Assertion Criteria_Updated V.1. Collection method: research. Allele origin: unknown. Inheritance: Autosomal dominant inheritance. Not counted in ClinVar's aggregate classification.
Comment: Mutations in HNF1A gene can predispose to MODY3. It is associated with both micro and macrovascular complications of diabetes, especially cardiovascular complications. Associated with glucosuria. May respond well to sulfonylureas. Sufficient evidence is found to confer the association of this particular variant rs137853244 with MODY3.

OMIM
Classification: Pathogenic for MATURITY-ONSET DIABETES OF THE YOUNG, TYPE 3. Last evaluated: 2003-02-01. Review status: no assertion criteria provided. Collection method: literature only. Allele origin: germline. Not counted in ClinVar's aggregate classification.

Literature cited by the submitters: PubMed 9166684 (cited by 3 submitters); PubMed 25837654 (cited by Labcorp Genetics (formerly Invitae), Labcorp); PubMed 34746319 (cited by Labcorp Genetics (formerly Invitae), Labcorp); PubMed 8945470 (cited by Labcorp Genetics (formerly Invitae), Labcorp); PubMed 12453976 (cited by Athena Diagnostics); PubMed 12488961 (cited by Athena Diagnostics); PubMed 12574234 (cited by 3 submitters); PubMed 15928245 (cited by Athena Diagnostics); PubMed 17989309 (cited by Athena Diagnostics); PubMed 9075818 (cited by Athena Diagnostics); PubMed 21224407 (cited by Athena Diagnostics); PubMed 36257325 (cited by Geisinger Clinic, Geisinger Health System).

NM_000545.8(HNF1A):c.391C>T (p.Arg131Trp)

Gene: HNF1A (HNF1 homeobox A; plus strand). Cytogenetic location: 12q24.31.
Variant type: single nucleotide variant.
Coding change: c.391C>T on transcript NM_000545.8 (MANE Select); coding-DNA position 391, C replaced by T.
Protein change: p.Arg131Trp; replaces arginine 131 with tryptophan.
Molecular consequence: missense variant.
Genome position (GRCh38, 1-based): chr12:120,988,897, C>T. VCF-style: chr12-120988897-C-T. GRCh37 (hg19) VCF-style: chr12-121426700-C-T.
Other names: NM_000545.6(HNF1A):c.391C>T; p.Arg131Trp; c.391C>T, p.Arg131Trp (NM_001306179.2); short protein forms R131W.
Identifiers: ClinVar variation 14943 (VCV000014943.23), dbSNP rs137853244, ClinGen allele CA124478.